The following is an entry in ClinVar:

NM_001111067.4(ACVR1):c.99C>A (p.Tyr33Ter)

Gene: ACVR1 (activin A receptor type 1; minus strand). Cytogenetic location: 2q24.1.
Variant type: single nucleotide variant.
Coding change: c.99C>A on transcript NM_001111067.4 (MANE Select); coding-DNA position 99, C replaced by A.
Protein change: p.Tyr33Ter; replaces tyrosine 33 with a stop codon.
Molecular consequence: nonsense.
Genome position (GRCh38, 1-based): chr2:157,780,569, G>T on the plus strand (C>A on the coding strand, the complement: ACVR1 is on the minus strand). VCF-style: chr2-157780569-G-T. GRCh37 (hg19) VCF-style: chr2-158637081-G-T.
Other names: c.99C>A, p.Tyr33Ter (NM_001105.5, NM_001347663.1, NM_001347664.1 and 3 more transcripts); short protein forms Y33*.
Identifiers: ClinVar variation 1502808 (VCV001502808.8), dbSNP rs201453468, ClinGen allele CA349194009.

ClinVar aggregate classification (germline): Uncertain significance (1 of 4 stars; one submission).

gnomAD v4.1: 5 of 1,613,508 alleles (0.00031%); highest among the groups gnomAD compares: African/African-American, 0.0013%; no homozygotes.

Submission:

Labcorp Genetics (formerly Invitae), Labcorp
Classification: Uncertain significance. Last evaluated: 2026-01-04. Review status: criteria provided, single submitter. Criteria: Invitae Variant Classification Sherloc (09022015). Collection method: clinical testing. Allele origin: germline.
Comment: This sequence change creates a premature translational stop signal (p.Tyr33*) in the ACVR1 gene. It is expected to result in an absent or disrupted protein product. However, the current clinical and genetic evidence is not sufficient to establish whether loss-of-function variants in ACVR1 cause disease. This variant is present in population databases (no rsID available, gnomAD 0.007%). This premature translational stop signal has been observed in individual(s) with congenital heart disease (PMID: 29089047). ClinVar contains an entry for this variant (Variation ID: 1502808). In summary, the available evidence is currently insufficient to determine the role of this variant in disease. Therefore, it has been classified as a Variant of Uncertain Significance.

Literature cited by the submitters: PubMed 29089047.